The following is an entry in ClinVar:

ClinVar aggregate classification (germline): Uncertain significance (1 of 4 stars; one submission).

Conditions:
AFF4-related disorder. Also called: AFF4-related condition.

gnomAD v4.1: 1 of 1,613,948 alleles (0.000062%); highest among the groups gnomAD compares: African/African-American, 0.0013%; no homozygotes.

Submission:

PreventionGenetics, part of Exact Sciences
Classification: Uncertain significance for AFF4-related condition. Last evaluated: 2024-12-06. Review status: criteria provided, single submitter. Criteria: ACMG Guidelines, 2015. Collection method: clinical testing. Allele origin: germline.
Comment: The AFF4 c.1597T>G variant is predicted to result in the amino acid substitution p.Ser533Ala. To our knowledge, this variant has not been reported in the literature or in a large population database (gnomAD), indicating this variant is rare. At this time, the clinical significance of this variant is uncertain due to the absence of conclusive functional and genetic evidence.

NM_014423.4(AFF4):c.1597T>G (p.Ser533Ala)

Gene: AFF4 (ALF transcription elongation factor 4; minus strand). Cytogenetic location: 5q31.1.
Variant type: single nucleotide variant.
Coding change: c.1597T>G on transcript NM_014423.4 (MANE Select); coding-DNA position 1597, T replaced by G.
Protein change: p.Ser533Ala; replaces serine 533 with alanine.
Molecular consequence: missense variant.
Genome position (GRCh38, 1-based): chr5:132,897,033, A>C on the plus strand (T>G on the coding strand, the complement: AFF4 is on the minus strand). VCF-style: chr5-132897033-A-C. GRCh37 (hg19) VCF-style: chr5-132232725-A-C.
Other names: short protein forms S533A.
Identifiers: ClinVar variation 3348632 (VCV003348632.2).